The following is an entry in ClinVar:

NM_002386.3(MC1R):c.-1297T>C

Gene: MC1R (melanocortin 1 receptor; plus strand). Cytogenetic location: 16q24.3.
Variant type: single nucleotide variant.
Coding change: c.-1297T>C on transcript NM_002386.3; 1297 bases upstream of the start codon, T replaced by C.
Genome position (GRCh38, 1-based): chr16:89,917,962, T>C. VCF-style: chr16-89917962-T-C. GRCh37 (hg19) VCF-style: chr16-89984370-T-C.
Identifiers: ClinVar variation 321379 (VCV000321379.9), dbSNP rs3212354, ClinGen allele CA10648410.
Genomic context (GRCh38, chr16:89,917,962, plus strand): 5'-TGCTGGGAACGCCCTGGAGTGAACCCAGGAAGATGCCTGCAGTGGGTGCCAGGGCCCCTC[T>C]CCACCGTCCCTGCTGGGCTTCGGGGCCACGCCCGACTGCTGTGAACGGCCTGCGGAGCAC-3'

ClinVar aggregate classification (germline): Benign. Review status: criteria provided, multiple submitters, no conflicts (2 of 4 stars). 3 submissions from 3 submitters: Benign (3). Last evaluated 2019-01-10.

Conditions:
Melanoma, cutaneous malignant, susceptibility to, 5. Also called: Cutaneous malignant melanoma 5. Identifiers: Orphanet 618, MedGen C2751295, MONDO:0013133, OMIM 613099.

Allele frequency attached by ClinVar (database versions not stated): TOPMed 0.61091; gnomAD 0.59618 and 0.59089; 1000 Genomes Project 30x 0.74797; gnomAD exomes 0.52766; 1000 Genomes Project 0.74621.

Submissions (3):

GeneDx
Classification: Benign. Last evaluated: 2019-01-10. Review status: criteria provided, single submitter. Criteria: GeneDx Variant Classification Process June 2021. Collection method: clinical testing. Allele origin: germline. Affected: yes.

Illumina Laboratory Services, Illumina
Classification: Benign for Melanoma, cutaneous malignant, susceptibility to, 5. Last evaluated: 2018-01-12. Review status: criteria provided, single submitter. Criteria: ICSL Variant Classification Criteria 13 December 2019. Collection method: clinical testing. Allele origin: germline.
Comment: This variant was observed in the ICSL laboratory as part of a predisposition screen in an ostensibly healthy population. It had not been previously curated by ICSL or reported in the Human Gene Mutation Database (HGMD: prior to June 1st, 2018), and was therefore a candidate for classification through an automated scoring system. Utilizing variant allele frequency, disease prevalence and penetrance estimates, and inheritance mode, an automated score was calculated to assess if this variant is too frequent to cause the disease. Based on the score and internal cut-off values, a variant classified as benign is not then subjected to further curation. The score for this variant resulted in a classification of benign for this disease.

Breakthrough Genomics
Classification: Benign. Review status: criteria provided, single submitter. Criteria: ACMG Guidelines, 2015. Collection method: not provided. Allele origin: germline. Inheritance: Autosomal recessive inheritance. Affected: yes.